The following is an entry in ClinVar:

NM_032436.4(CHAMP1):c.403C>T (p.Gln135Ter)

Gene: CHAMP1 (chromosome alignment maintaining phosphoprotein 1; plus strand). Cytogenetic location: 13q34.
Variant type: single nucleotide variant.
Coding change: c.403C>T on transcript NM_032436.4 (MANE Select); coding-DNA position 403, C replaced by T.
Protein change: p.Gln135Ter; replaces glutamine 135 with a stop codon.
Molecular consequence: nonsense.
Genome position (GRCh38, 1-based): chr13:114,324,245, C>T. VCF-style: chr13-114324245-C-T. GRCh37 (hg19) VCF-style: chr13-115089720-C-T.
Other names: c.403C>T, p.Gln135Ter (NM_001164144.3, NM_001164145.3); short protein forms Q135*.
Identifiers: ClinVar variation 430233 (VCV000430233.2), dbSNP rs1131691845, ClinGen allele CA388846226.
Genomic context (GRCh38, chr13:114,324,245, plus strand): 5'-CAGAAAATACCCTGCAATTCAGCAGAACCAAAATCCATACCTGCCCTTTCAATGGAAACA[C>T]AGAAACTTGGTTCAGTTTTGTCTCCAGAATCGCCAAAACCTACTCCTCTTACTCCCCTGG-3'

ClinVar aggregate classification (germline): Pathogenic (1 of 4 stars; one submission).

Submission:

GeneDx
Classification: Pathogenic. Last evaluated: 2017-05-19. Review status: criteria provided, single submitter. Criteria: GeneDx Variant Classification (06012015). Collection method: clinical testing. Allele origin: germline. Affected: yes.
Comment: The Q135X pathogenic variant in the CHAMP1 gene has not been reported previously as a pathogenic variant, nor as a benign variant, to our knowledge. This variant is predicted to cause loss of normal protein function through protein truncation. The Q135X variant is not observed in large population cohorts (Lek et al., 2016; 1000 Genomes Consortium et al., 2015; Exome Variant Server). We interpret Q135X as a pathogenic variant.